The following is an entry in ClinVar:

ClinVar aggregate classification (germline): Uncertain significance (1 of 4 stars; one submission).

Allele frequency attached by ClinVar (database versions not stated): gnomAD exomes below 0.00001; gnomAD 0.00001; TOPMed 0.00011.
gnomAD v4.1: 2 of 1,596,464 alleles (0.00013%); highest among the groups gnomAD compares: Admixed American, 0.0017%; no homozygotes.

Submission:

Labcorp Genetics (formerly Invitae), Labcorp
Classification: Uncertain significance. Last evaluated: 2022-08-10. Review status: criteria provided, single submitter. Criteria: Invitae Variant Classification Sherloc (09022015). Collection method: clinical testing. Allele origin: germline.
Comment: This sequence change replaces threonine, which is neutral and polar, with isoleucine, which is neutral and non-polar, at codon 78 of the MOCS2B protein (p.Thr78Ile). This variant is not present in population databases (gnomAD no frequency). This variant has not been reported in the literature in individuals affected with MOCS2B-related conditions. ClinVar contains an entry for this variant (Variation ID: 1521710). Algorithms developed to predict the effect of missense changes on protein structure and function (SIFT, PolyPhen-2, Align-GVGD) all suggest that this variant is likely to be disruptive. In summary, the available evidence is currently insufficient to determine the role of this variant in disease. Therefore, it has been classified as a Variant of Uncertain Significance.

NM_004531.5(MOCS2):c.233C>T (p.Thr78Ile)

Gene: MOCS2 (molybdenum cofactor synthesis 2; minus strand). Cytogenetic location: 5q11.2.
Variant type: single nucleotide variant.
Coding change: c.233C>T on transcript NM_004531.5 (MANE Select); coding-DNA position 233, C replaced by T.
Protein change: p.Thr78Ile; replaces threonine 78 with isoleucine.
Molecular consequence: missense variant. On other transcripts: 3 prime UTR variant (1).
Genome position (GRCh38, 1-based): chr5:53,101,503, G>A on the plus strand (C>T on the coding strand, the complement: MOCS2 is on the minus strand). VCF-style: chr5-53101503-G-A. GRCh37 (hg19) VCF-style: chr5-52397333-G-A.
Other names: c.*153C>T (NM_176806.4); short protein forms T78I.
Identifiers: ClinVar variation 1521710 (VCV001521710.5), dbSNP rs989688918, ClinGen allele CA118889612.
Genomic context (GRCh38, chr5:53,101,503, plus strand): 5'-ATGGGTAGATATGCTTCATATTCTAAGCTAATGACTTTTTTCCCTTCAAAGTTATTTCTT[G>A]TAGTCCCTTTAAAAATGAAAAAAAAGAAAAAGAAAACAATTAAAATAAGGTTTTTCCCTA-3'
Protein context (NP_004522.1, residues 68-88): CGAISLFVGT[Thr78Ile]RNNFEGKKVI